The following is an entry in ClinVar:

ClinVar aggregate classification (germline): Uncertain significance (1 of 4 stars; one submission).

Allele frequency attached by ClinVar (database versions not stated): gnomAD exomes below 0.00001; TOPMed below 0.00001; ExAC 0.00001.
gnomAD v4.1: 3 of 1,614,024 alleles (0.00019%); highest among the groups gnomAD compares: East Asian, 0.0022%; no homozygotes.

Submission:

Labcorp Genetics (formerly Invitae), Labcorp
Classification: Uncertain significance. Last evaluated: 2021-10-12. Review status: criteria provided, single submitter. Criteria: Invitae Variant Classification Sherloc (09022015). Collection method: clinical testing. Allele origin: germline.
Comment: This variant is present in population databases (rs750660029, ExAC 0.02%). This missense change has been observed in individual(s) with RP1-related conditions (Invitae). This sequence change replaces proline with glutamine at codon 1890 of the RP1 protein (p.Pro1890Gln). The proline residue is highly conserved and there is a moderate physicochemical difference between proline and glutamine. In summary, the available evidence is currently insufficient to determine the role of this variant in disease. Therefore, it has been classified as a Variant of Uncertain Significance. Algorithms developed to predict the effect of missense changes on protein structure and function are either unavailable or do not agree on the potential impact of this missense change (SIFT: "Deleterious"; PolyPhen-2: "Probably Damaging"; Align-GVGD: "Class C0").

NM_006269.2(RP1):c.5669C>A (p.Pro1890Gln)

Genes: RP1 (RP1 axonemal microtubule associated; plus strand), LOC126860392 (CDK7 strongly-dependent group 2 enhancer GRCh37_chr8:55541319-55542518; plus strand). Cytogenetic location: 8q12.1.
Variant type: single nucleotide variant.
Coding change: c.5669C>A on transcript NM_006269.2 (MANE Select); coding-DNA position 5669, C replaced by A.
Protein change: p.Pro1890Gln; replaces proline 1890 with glutamine.
Molecular consequence: missense variant. On other transcripts: intron variant (1).
Genome position (GRCh38, 1-based): chr8:54,629,551, C>A. VCF-style: chr8-54629551-C-A. GRCh37 (hg19) VCF-style: chr8-55542111-C-A.
Other names: c.787+7263C>A (NM_001375654.1); short protein forms P1890Q.
Identifiers: ClinVar variation 1385036 (VCV001385036.6), dbSNP rs750660029, ClinGen allele CA4752108.